The following is an entry in ClinVar:

ClinVar aggregate classification (germline): Uncertain significance. Review status: criteria provided, multiple submitters, no conflicts (2 of 4 stars). 3 submissions from 3 submitters: Uncertain significance (3). Last evaluated 2025-11-01.

Allele frequency attached by ClinVar (database versions not stated): ExAC 0.00002; gnomAD 0.00002; gnomAD exomes 0.00003; TOPMed 0.00003.
gnomAD v4.1: 22 of 1,613,434 alleles (0.0014%); highest among the groups gnomAD compares: Admixed American, 0.018%; no homozygotes.

Submissions (3):

CeGaT Center for Human Genetics Tuebingen
Classification: Uncertain significance. Last evaluated: 2025-11-01. Review status: criteria provided, single submitter. Criteria: CeGaT Center For Human Genetics Tuebingen Variant Classification Criteria Version 2. Collection method: clinical testing. Allele origin: germline. Affected: yes. Observed: 1 variant allele.
Comment: EMC1: PM2

Labcorp Genetics (formerly Invitae), Labcorp
Classification: Uncertain significance. Last evaluated: 2025-08-14. Review status: criteria provided, single submitter. Criteria: Invitae Variant Classification Sherloc (09022015). Collection method: clinical testing. Allele origin: germline.
Comment: This sequence change replaces proline, which is neutral and non-polar, with serine, which is neutral and polar, at codon 886 of the EMC1 protein (p.Pro886Ser). This variant is present in population databases (rs755986625, gnomAD 0.01%). This variant has not been reported in the literature in individuals affected with EMC1-related conditions. ClinVar contains an entry for this variant (Variation ID: 856504). Invitae Evidence Modeling of protein sequence and biophysical properties (such as structural, functional, and spatial information, amino acid conservation, physicochemical variation, residue mobility, and thermodynamic stability) indicates that this missense variant is not expected to disrupt EMC1 protein function with a negative predictive value of 80%. In summary, the available evidence is currently insufficient to determine the role of this variant in disease. Therefore, it has been classified as a Variant of Uncertain Significance.

Blueprint Genetics
Classification: Uncertain significance. Last evaluated: 2024-11-26. Review status: criteria provided, single submitter. Criteria: ACMG Guidelines, 2015. Collection method: clinical testing. Allele origin: germline.

NM_015047.3(EMC1):c.2656C>T (p.Pro886Ser)

Genes: EMC1 (ER membrane protein complex subunit 1; minus strand), EMC1-AS1 (EMC1 antisense RNA 1; plus strand). Cytogenetic location: 1p36.13.
Variant type: single nucleotide variant.
Coding change: c.2656C>T on transcript NM_015047.3 (MANE Select); coding-DNA position 2656, C replaced by T.
Protein change: p.Pro886Ser; replaces proline 886 with serine.
Molecular consequence: missense variant.
Genome position (GRCh38, 1-based): chr1:19,220,780, G>A on the plus strand (C>T on the coding strand, the complement: EMC1 is on the minus strand). VCF-style: chr1-19220780-G-A. GRCh37 (hg19) VCF-style: chr1-19547274-G-A.
Other names: c.2653C>T, p.Pro885Ser (NM_001271427.2, NM_001271428.2); c.2590C>T, p.Pro864Ser (NM_001271429.2); c.2665C>T, p.Pro889Ser (NM_001375820.1); c.2662C>T, p.Pro888Ser (NM_001375821.1); short protein forms P864S, P886S, P885S, P889S, P888S.
Identifiers: ClinVar variation 856504 (VCV000856504.18), dbSNP rs755986625, ClinGen allele CA652197.